The following is an entry in ClinVar:

ClinVar aggregate classification (germline): Uncertain significance (1 of 4 stars; one submission).

Conditions:
Aortic valve disease 2 (AOVD2). Identifiers: MedGen C3542024, MONDO:0013902, OMIM 614823.

Submission:

Labcorp Genetics (formerly Invitae), Labcorp
Classification: Uncertain significance for Aortic valve disease 2. Last evaluated: 2025-02-12. Review status: criteria provided, single submitter. Criteria: Invitae Variant Classification Sherloc (09022015). Collection method: clinical testing. Allele origin: germline.
Comment: This sequence change replaces alanine, which is neutral and non-polar, with serine, which is neutral and polar, at codon 440 of the TBX5 protein (p.Ala440Ser). This variant is not present in population databases (gnomAD no frequency). This variant has not been reported in the literature in individuals affected with TBX5-related conditions. Invitae Evidence Modeling of protein sequence and biophysical properties (such as structural, functional, and spatial information, amino acid conservation, physicochemical variation, residue mobility, and thermodynamic stability) indicates that this missense variant is not expected to disrupt TBX5 protein function with a negative predictive value of 80%. In summary, the available evidence is currently insufficient to determine the role of this variant in disease. Therefore, it has been classified as a Variant of Uncertain Significance.

NM_181486.4(TBX5):c.1318G>T (p.Ala440Ser)

Gene: TBX5 (T-box transcription factor 5; minus strand). Cytogenetic location: 12q24.21.
Variant type: single nucleotide variant.
Coding change: c.1318G>T on transcript NM_181486.4 (MANE Select); coding-DNA position 1318, G replaced by T.
Protein change: p.Ala440Ser; replaces alanine 440 with serine.
Molecular consequence: missense variant.
Genome position (GRCh38, 1-based): chr12:114,355,771, C>A on the plus strand (G>T on the coding strand, the complement: TBX5 is on the minus strand). VCF-style: chr12-114355771-C-A. GRCh37 (hg19) VCF-style: chr12-114793576-C-A.
Other names: c.1318G>T, p.Ala440Ser (NM_000192.3); c.1168G>T, p.Ala390Ser (NM_080717.4); short protein forms A390S, A440S.
Identifiers: ClinVar variation 4731566 (VCV004731566.1).
Genomic context (GRCh38, chr12:114,355,771, plus strand): 5'-AGGTCTGGTGCTGGAACATTCCCTCTCCCAGCTGTGGGGAGCCATGGTTGGCCATGCCAG[C>A]CAGCCGAGGGACCAGGGGCCCCGAGGTGAAGTGAGCGGAGAAGTGCTGGTAGGGTAGCCT-3'
Protein context (NP_852259.1, residues 430-450): FTSGPLVPRL[Ala440Ser]GMANHGSPQL